The following is an entry in ClinVar:

NM_005002.5(NDUFA9):c.50-7_50-4del

Gene: NDUFA9 (NADH:ubiquinone oxidoreductase subunit A9; plus strand). Cytogenetic location: 12p13.32.
Variant type: Deletion.
Coding change: c.50-7_50-4del on transcript NM_005002.5 (MANE Select); 7 bases into the intron before coding-DNA position 50 through 4 bases into the intron before coding-DNA position 50, 4 bases deleted (GTTT; older notation c.50-7_50-4delGTTT).
Molecular consequence: intron variant.
Genome position (GRCh38, 1-based): chr12:4,654,285-4,654,288, GTTT deleted; deleting any 4 consecutive bases within chr12:4,654,282-4,654,288 gives the same sequence; the c. name uses the placement nearest the transcript's 3' end. VCF-style (leftmost placement, unchanged base first): chr12-4654281-TTTTG-T. GRCh37 (hg19) VCF-style: chr12-4763447-TTTTG-T.
Identifiers: ClinVar variation 1898512 (VCV001898512.5), dbSNP rs2498067832, ClinGen allele CA2580085151.

ClinVar aggregate classification (germline): Uncertain significance (1 of 4 stars; one submission).

Submission:

Labcorp Genetics (formerly Invitae), Labcorp
Classification: Uncertain significance. Last evaluated: 2023-05-23. Review status: criteria provided, single submitter. Criteria: Invitae Variant Classification Sherloc (09022015). Collection method: clinical testing. Allele origin: germline.
Comment: This sequence change falls in intron 1 of the NDUFA9 gene. It does not directly change the encoded amino acid sequence of the NDUFA9 protein. This variant is not present in population databases (gnomAD no frequency). This variant has not been reported in the literature in individuals affected with NDUFA9-related conditions. ClinVar contains an entry for this variant (Variation ID: 1898512). Algorithms developed to predict the effect of sequence changes on RNA splicing suggest that this variant may create or strengthen a splice site. In summary, the available evidence is currently insufficient to determine the role of this variant in disease. Therefore, it has been classified as a Variant of Uncertain Significance.